The following is an entry in ClinVar:

ClinVar aggregate classification (germline): Pathogenic (1 of 4 stars; one submission).

Conditions:
Arrhythmogenic cardiomyopathy with wooly hair and keratoderma. Also called: PALMOPLANTAR KERATODERMA WITH LEFT VENTRICULAR CARDIOMYOPATHY AND WOOLLY HAIR; Arrhythmogenic cardiomyopathy with woolly hair and keratoderma; Carvajal syndrome; Dilated cardiomyopathy with woolly hair and keratoderma. Identifiers: Orphanet 65282, MedGen C1854063, MONDO:0011581, OMIM 605676.
Arrhythmogenic right ventricular dysplasia 8 (ARVD8). Also called: ARRHYTHMOGENIC RIGHT VENTRICULAR DYSPLASIA, FAMILIAL, 8; ARRHYTHMOGENIC RIGHT VENTRICULAR CARDIOMYOPATHY 8; Arrhythmogenic Right Ventricular Dysplasia/Cardiomyopathy 8. Identifiers: MedGen C1843896, MONDO:0011831, OMIM 607450.

Submission:

Labcorp Genetics (formerly Invitae), Labcorp
Classification: Pathogenic for Arrhythmogenic cardiomyopathy with wooly hair and keratoderma; Arrhythmogenic right ventricular dysplasia 8. Last evaluated: 2023-11-01. Review status: criteria provided, single submitter. Criteria: Invitae Variant Classification Sherloc (09022015). Collection method: clinical testing. Allele origin: germline.
Comment: This sequence change creates a premature translational stop signal (p.Glu1166Glyfs*7) in the DSP gene. It is expected to result in an absent or disrupted protein product. Loss-of-function variants in DSP are known to be pathogenic (PMID: 20716751, 24503780, 25227139). This variant is not present in population databases (gnomAD no frequency). This variant has not been reported in the literature in individuals affected with DSP-related conditions. ClinVar contains an entry for this variant (Variation ID: 1069300). For these reasons, this variant has been classified as Pathogenic.

Literature cited by the submitters: PubMed 20716751; PubMed 24503780; PubMed 25227139.

NM_004415.4(DSP):c.3494dup (p.Glu1166fs)

Gene: DSP (desmoplakin; plus strand). Cytogenetic location: 6p24.3.
Variant type: Duplication.
Coding change: c.3494dup on transcript NM_004415.4 (MANE Select); coding-DNA position 3494, one base duplicated (A; older notation c.3494dupA).
Protein change: p.Glu1166fs; shifts the reading frame from glutamic acid 1166.
Molecular consequence: frameshift variant.
Genome position (GRCh38, 1-based): chr6:7,579,684, A duplicated; the last of 2 consecutive A bases (chr6:7,579,683-7,579,684); duplicating either gives the same sequence. VCF-style (leftmost placement, unchanged base first): chr6-7579682-C-CA. GRCh37 (hg19) VCF-style: chr6-7579915-C-CA.
Other names: c.3494dup, p.Glu1166fs (NM_001008844.3, NM_001319034.2); short protein forms E1166fs.
Identifiers: ClinVar variation 1069300 (VCV001069300.7), dbSNP rs2113691887, ClinGen allele CA2499218557.